The following is an entry in ClinVar:

ClinVar aggregate classification (germline): Uncertain significance (1 of 4 stars; one submission).

Allele frequency attached by ClinVar (database versions not stated): TOPMed 0.00001.

Submission:

Labcorp Genetics (formerly Invitae), Labcorp
Classification: Uncertain significance. Last evaluated: 2022-06-13. Review status: criteria provided, single submitter. Criteria: Invitae Variant Classification Sherloc (09022015). Collection method: clinical testing. Allele origin: germline.
Comment: In summary, the available evidence is currently insufficient to determine the role of this variant in disease. Therefore, it has been classified as a Variant of Uncertain Significance. Advanced modeling of protein sequence and biophysical properties (such as structural, functional, and spatial information, amino acid conservation, physicochemical variation, residue mobility, and thermodynamic stability) performed at Invitae indicates that this missense variant is not expected to disrupt LRP5 protein function. This variant has not been reported in the literature in individuals affected with LRP5-related conditions. This variant is not present in population databases (gnomAD no frequency). This sequence change replaces tyrosine, which is neutral and polar, with serine, which is neutral and polar, at codon 279 of the LRP5 protein (p.Tyr279Ser).

NM_002335.4(LRP5):c.836A>C (p.Tyr279Ser)

Gene: LRP5 (LDL receptor related protein 5; plus strand). Cytogenetic location: 11q13.2.
Variant type: single nucleotide variant.
Coding change: c.836A>C on transcript NM_002335.4 (MANE Select); coding-DNA position 836, A replaced by C.
Protein change: p.Tyr279Ser; replaces tyrosine 279 with serine.
Molecular consequence: missense variant. On other transcripts: 5 prime UTR variant (1).
Genome position (GRCh38, 1-based): chr11:68,363,896, A>C. VCF-style: chr11-68363896-A-C. GRCh37 (hg19) VCF-style: chr11-68131364-A-C.
Other names: c.-930A>C (NM_001291902.2); short protein forms Y279S.
Identifiers: ClinVar variation 1356565 (VCV001356565.6), dbSNP rs778874445, ClinGen allele CA381611217.